The following is an entry in ClinVar:

ClinVar aggregate classification (germline): Pathogenic (1 of 4 stars; one submission).

Conditions:
Multiple congenital exostosis (EXT). Also called: Multiple osteochondromas; MULTIPLE CARTILAGINOUS EXOSTOSES; Hereditary multiple osteochondromas; Hereditary multiple exostoses; Hereditary multiple exostosis; Multiple exostoses. Identifiers: Orphanet 321, MedGen C0015306, MONDO:0005508, HP:0002762.

Submission:

Labcorp Genetics (formerly Invitae), Labcorp
Classification: Pathogenic for Multiple congenital exostosis. Last evaluated: 2023-10-04. Review status: criteria provided, single submitter. Criteria: Invitae Variant Classification Sherloc (09022015). Collection method: clinical testing. Allele origin: germline.
Comment: This sequence change creates a premature translational stop signal (p.Ser15Profs*11) in the EXT1 gene. It is expected to result in an absent or disrupted protein product. Loss-of-function variants in EXT1 are known to be pathogenic (PMID: 10679937, 11391482, 19810120). This variant is not present in population databases (gnomAD no frequency). This variant has not been reported in the literature in individuals affected with EXT1-related conditions. For these reasons, this variant has been classified as Pathogenic.

Literature cited by the submitters: PubMed 10679937; PubMed 11391482; PubMed 19810120.

NM_000127.3(EXT1):c.43_53del (p.Ser15fs)

Gene: EXT1 (exostosin glycosyltransferase 1; minus strand). Cytogenetic location: 8q24.11.
Variant type: Deletion.
Coding change: c.43_53del on transcript NM_000127.3 (MANE Select); coding-DNA positions 43 to 53, 11 bases deleted (TCTTGTCTCGC).
Protein change: p.Ser15fs; shifts the reading frame from serine 15.
Molecular consequence: frameshift variant.
Genome position (GRCh38, 1-based): chr8:118,110,994-118,111,004, GCGAGACAAGA deleted on the plus strand (TCTTGTCTCGC on the coding strand, the reverse complement: EXT1 is on the minus strand); deleting any 11 consecutive bases within chr8:118,110,994-118,111,006 gives the same sequence; the c. name uses the placement nearest the transcript's 3' end. VCF-style (leftmost placement, unchanged base first): chr8-118110993-GGCGAGACAAGA-G. GRCh37 (hg19) VCF-style: chr8-119123232-GGCGAGACAAGA-G.
Other names: short protein forms S15fs.
Identifiers: ClinVar variation 2765588 (VCV002765588.3), dbSNP rs2488053876, ClinGen allele CA2697550124.